The following is an entry in ClinVar:

NM_001457.4(FLNB):c.4438A>C (p.Thr1480Pro)

Gene: FLNB (filamin B; plus strand). Cytogenetic location: 3p14.3.
Variant type: single nucleotide variant.
Coding change: c.4438A>C on transcript NM_001457.4 (MANE Select); coding-DNA position 4438, A replaced by C.
Protein change: p.Thr1480Pro; replaces threonine 1480 with proline.
Molecular consequence: missense variant.
Genome position (GRCh38, 1-based): chr3:58,132,855, A>C. VCF-style: chr3-58132855-A-C. GRCh37 (hg19) VCF-style: chr3-58118582-A-C.
Other names: c.4438A>C (NM_001457.3); c.4531A>C, p.Thr1511Pro (NM_001164317.2); c.4438A>C, p.Thr1480Pro (NM_001164318.2, NM_001164319.2); short protein forms T1511P, T1480P.
Identifiers: ClinVar variation 1372135 (VCV001372135.7), dbSNP rs201292963, ClinGen allele CA2468774.

ClinVar aggregate classification (germline): Uncertain significance. Review status: criteria provided, multiple submitters, no conflicts (2 of 4 stars). 2 submissions from 2 submitters: Uncertain significance (2). Last evaluated 2025-05-13.

Conditions:
Inborn genetic diseases. Identifiers: MedGen C0950123, MeSH D030342.

Allele frequency attached by ClinVar (database versions not stated): gnomAD 0.00001; ExAC 0.00002; gnomAD exomes 0.00002.
gnomAD v4.1: 36 of 1,614,028 alleles (0.0022%); highest among the groups gnomAD compares: Non-Finnish European, 0.0031%; no homozygotes.

Submissions (2):

Labcorp Genetics (formerly Invitae), Labcorp
Classification: Uncertain significance. Last evaluated: 2025-05-13. Review status: criteria provided, single submitter. Criteria: Invitae Variant Classification Sherloc (09022015). Collection method: clinical testing. Allele origin: germline.
Comment: This sequence change replaces threonine, which is neutral and polar, with proline, which is neutral and non-polar, at codon 1480 of the FLNB protein (p.Thr1480Pro). This variant is present in population databases (rs201292963, gnomAD 0.004%). This variant has not been reported in the literature in individuals affected with FLNB-related conditions. ClinVar contains an entry for this variant (Variation ID: 1372135). Invitae Evidence Modeling of protein sequence and biophysical properties (such as structural, functional, and spatial information, amino acid conservation, physicochemical variation, residue mobility, and thermodynamic stability) indicates that this missense variant is not expected to disrupt FLNB protein function with a negative predictive value of 95%. In summary, the available evidence is currently insufficient to determine the role of this variant in disease. Therefore, it has been classified as a Variant of Uncertain Significance.

Ambry Genetics
Classification: Uncertain significance for Inborn genetic diseases. Last evaluated: 2024-12-11. Review status: criteria provided, single submitter. Criteria: Ambry Variant Classification Scheme 2023. Collection method: clinical testing. Allele origin: germline.